The following is an entry in ClinVar:

ClinVar aggregate classification (germline): Uncertain significance (1 of 4 stars; one submission).

Conditions:
Dilated cardiomyopathy 1JJ (CMD1JJ). Identifiers: Orphanet 154, MedGen C3808935, MONDO:0014095, OMIM 615235.

Submission:

Labcorp Genetics (formerly Invitae), Labcorp
Classification: Uncertain significance for Dilated cardiomyopathy 1JJ. Last evaluated: 2024-07-19. Review status: criteria provided, single submitter. Criteria: Invitae Variant Classification Sherloc (09022015). Collection method: clinical testing. Allele origin: germline.
Comment: This sequence change replaces valine, which is neutral and non-polar, with alanine, which is neutral and non-polar, at codon 1065 of the LAMA4 protein (p.Val1065Ala). This variant is not present in population databases (gnomAD no frequency). This variant has not been reported in the literature in individuals affected with LAMA4-related conditions. An algorithm developed to predict the effect of missense changes on protein structure and function (PolyPhen-2) suggests that this variant is likely to be disruptive. In summary, the available evidence is currently insufficient to determine the role of this variant in disease. Therefore, it has been classified as a Variant of Uncertain Significance.

NM_001105206.3(LAMA4):c.3215T>C (p.Val1072Ala)

Gene: LAMA4 (laminin subunit alpha 4; minus strand). Cytogenetic location: 6q21.
Variant type: single nucleotide variant.
Coding change: c.3215T>C on transcript NM_001105206.3 (MANE Select); coding-DNA position 3215, T replaced by C.
Protein change: p.Val1072Ala; replaces valine 1072 with alanine.
Molecular consequence: missense variant.
Genome position (GRCh38, 1-based): chr6:112,139,187, A>G on the plus strand (T>C on the coding strand, the complement: LAMA4 is on the minus strand). VCF-style: chr6-112139187-A-G. GRCh37 (hg19) VCF-style: chr6-112460389-A-G.
Other names: c.3194T>C, p.Val1065Ala (NM_001105207.3, NM_002290.5); short protein forms V1065A, V1072A.
Identifiers: ClinVar variation 3603815 (VCV003603815.2).